The following is an entry in ClinVar:

ClinVar aggregate classification (germline): Uncertain significance. Review status: criteria provided, multiple submitters, no conflicts (2 of 4 stars). 2 submissions from 2 submitters: Uncertain significance (2). Last evaluated 2025-08-20.

Conditions:
Inborn genetic diseases. Identifiers: MedGen C0950123, MeSH D030342.
Leukocyte adhesion deficiency type II. Also called: CONGENITAL DISORDER OF GLYCOSYLATION, TYPE IIc; Congenital disorder of glycosylation type 2C; CDG 2C; Leukocyte adhesion deficiency type 2; Rambam Hasharon syndrome; CDG IIc. Identifiers: Orphanet 2968, Orphanet 99843, MedGen C0398739, MONDO:0009953, OMIM 266265.

gnomAD v4.1: 1 of 1,515,408 alleles (0.000066%); highest among the groups gnomAD compares: Admixed American, 0.0022%; no homozygotes.

Submissions (2):

Ambry Genetics
Classification: Uncertain significance for Inborn genetic diseases. Last evaluated: 2025-08-20. Review status: criteria provided, single submitter. Criteria: Ambry Variant Classification Scheme 2023. Collection method: clinical testing. Allele origin: germline.

Labcorp Genetics (formerly Invitae), Labcorp
Classification: Uncertain significance for Leukocyte adhesion deficiency type II. Last evaluated: 2021-10-21. Review status: criteria provided, single submitter. Criteria: Invitae Variant Classification Sherloc (09022015). Collection method: clinical testing. Allele origin: germline.
Comment: This sequence change replaces valine with leucine at codon 364 of the SLC35C1 protein (p.Val364Leu). The valine residue is moderately conserved and there is a small physicochemical difference between valine and leucine. The frequency data for this variant in the population databases is considered unreliable, as metrics indicate insufficient coverage at this position in the ExAC database. This variant has not been reported in the literature in individuals affected with SLC35C1-related conditions. Algorithms developed to predict the effect of missense changes on protein structure and function (SIFT, PolyPhen-2, Align-GVGD) all suggest that this variant is likely to be tolerated. In summary, the available evidence is currently insufficient to determine the role of this variant in disease. Therefore, it has been classified as a Variant of Uncertain Significance.

NM_018389.5(SLC35C1):c.1090G>T (p.Val364Leu)

Gene: SLC35C1 (solute carrier family 35 member C1; plus strand). Cytogenetic location: 11p11.2.
Variant type: single nucleotide variant.
Coding change: c.1090G>T on transcript NM_018389.5 (MANE Select); coding-DNA position 1090, G replaced by T.
Protein change: p.Val364Leu; replaces valine 364 with leucine.
Molecular consequence: missense variant.
Genome position (GRCh38, 1-based): chr11:45,811,330, G>T. VCF-style: chr11-45811330-G-T. GRCh37 (hg19) VCF-style: chr11-45832881-G-T.
Other names: c.1051G>T, p.Val351Leu (NM_001145265.2, NM_001145266.2); short protein forms V351L, V364L.
Identifiers: ClinVar variation 1012148 (VCV001012148.4), dbSNP rs1329095261, ClinGen allele CA380207614.
Genomic context (GRCh38, chr11:45,811,330, plus strand): 5'-GAGATGAAGAAGACTCCGGAGGAGCCCAGCCCCAAAGACAGCGAGAAGAGCGCCATGGGG[G>T]TGTGAGCACCACAGGCACCCTGGATGGCCCGGCCCCGGGGCCCGTACACAGGCGGGGCCA-3'
Protein context (NP_060859.4, residues 354-364): PKDSEKSAMG[Val364Leu]